The following is an entry in ClinVar:

NM_198271.5(LMOD3):c.1226A>G (p.Gln409Arg)

Gene: LMOD3 (leiomodin 3; minus strand). Cytogenetic location: 3p14.1.
Variant type: single nucleotide variant.
Coding change: c.1226A>G on transcript NM_198271.5 (MANE Select); coding-DNA position 1226, A replaced by G.
Protein change: p.Gln409Arg; replaces glutamine 409 with arginine.
Molecular consequence: missense variant.
Genome position (GRCh38, 1-based): chr3:69,119,129, T>C on the plus strand (A>G on the coding strand, the complement: LMOD3 is on the minus strand). VCF-style: chr3-69119129-T-C. GRCh37 (hg19) VCF-style: chr3-69168280-T-C.
Other names: p.Gln409Arg; c.1226A>G, p.Gln409Arg (NM_001304418.3); short protein forms Q409R.
Identifiers: ClinVar variation 475297 (VCV000475297.15), dbSNP rs116257053, ClinGen allele CA2488838.

ClinVar aggregate classification (germline): Benign/Likely benign. Review status: criteria provided, multiple submitters, no conflicts (2 of 4 stars). 4 submissions from 4 submitters: Benign (2); Likely benign (2). Last evaluated 2026-01-22.

Conditions:
Nemaline myopathy 10 (NEM10). Identifiers: MedGen C4015360, MONDO:0014513, OMIM 616165.

Allele frequency attached by ClinVar (database versions not stated): gnomAD exomes 0.00125 and 0.00327; ExAC 0.00398; ESP Exome Variant Server 0.01155; gnomAD 0.01343 and 0.01432; TOPMed 0.01583; 1000 Genomes Project 0.01697; 1000 Genomes Project 30x 0.01702.
gnomAD v4.1: 3,974 of 1,613,846 alleles (0.25%); highest among the groups gnomAD compares: African/African-American, 4.6%; 83 homozygotes.

Submissions (4):

Labcorp Genetics (formerly Invitae), Labcorp
Classification: Benign for Nemaline myopathy 10. Last evaluated: 2026-01-22. Review status: criteria provided, single submitter. Criteria: Invitae Variant Classification Sherloc (09022015). Collection method: clinical testing. Allele origin: germline.

Mayo Clinic Laboratories, Mayo Clinic
Classification: Benign. Last evaluated: 2023-01-13. Review status: criteria provided, single submitter. Criteria: ACMG Guidelines, 2015. Collection method: clinical testing. Allele origin: germline. Observed: 2 variant alleles.
Comment: BS1, BS2

GeneDx
Classification: Likely benign. Last evaluated: 2020-10-15. Review status: criteria provided, single submitter. Criteria: GeneDx Variant Classification Process June 2021. Collection method: clinical testing. Allele origin: germline. Affected: yes.

Breakthrough Genomics
Classification: Likely benign. Review status: criteria provided, single submitter. Criteria: ACMG Guidelines, 2015. Collection method: not provided. Allele origin: germline. Inheritance: Autosomal recessive inheritance. Affected: yes.